The following is an entry in ClinVar:

NM_001364905.1(LRBA):c.2758C>A (p.His920Asn)

Gene: LRBA (LPS responsive beige-like anchor protein; minus strand). Cytogenetic location: 4q31.3.
Variant type: single nucleotide variant.
Coding change: c.2758C>A on transcript NM_001364905.1 (MANE Select); coding-DNA position 2758, C replaced by A.
Protein change: p.His920Asn; replaces histidine 920 with asparagine.
Molecular consequence: missense variant.
Genome position (GRCh38, 1-based): chr4:150,867,679, G>T on the plus strand (C>A on the coding strand, the complement: LRBA is on the minus strand). VCF-style: chr4-150867679-G-T. GRCh37 (hg19) VCF-style: chr4-151788831-G-T.
Other names: c.2758C>A, p.His920Asn (NM_001199282.3, NM_001367550.1, NM_006726.5); short protein forms H920N.
Identifiers: ClinVar variation 1002462 (VCV001002462.9), dbSNP rs1752898645, ClinGen allele CA358463801.

ClinVar aggregate classification (germline): Uncertain significance (1 of 4 stars; one submission).

Conditions:
Combined immunodeficiency due to LRBA deficiency. Also called: Common variable immunodeficiency 8, with autoimmunity. Identifiers: Orphanet 445018, MedGen C3553512, MONDO:0013863, OMIM 614700.

Submission:

Labcorp Genetics (formerly Invitae), Labcorp
Classification: Uncertain significance for Combined immunodeficiency due to LRBA deficiency. Last evaluated: 2021-07-21. Review status: criteria provided, single submitter. Criteria: Invitae Variant Classification Sherloc (09022015). Collection method: clinical testing. Allele origin: germline.
Comment: In summary, the available evidence is currently insufficient to determine the role of this variant in disease. Therefore, it has been classified as a Variant of Uncertain Significance. Algorithms developed to predict the effect of missense changes on protein structure and function are either unavailable or do not agree on the potential impact of this missense change (SIFT: "Tolerated"; PolyPhen-2: "Probably Damaging"; Align-GVGD: "Class C0"). This variant has not been reported in the literature in individuals with LRBA-related conditions. This variant is not present in population databases (ExAC no frequency). This sequence change replaces histidine with asparagine at codon 920 of the LRBA protein (p.His920Asn). The histidine residue is moderately conserved and there is a small physicochemical difference between histidine and asparagine.